The following is an entry in ClinVar:

ClinVar aggregate classification (germline): Likely pathogenic (1 of 4 stars; one submission).

Conditions:
ADCY3-related disorder. Also called: ADCY3-related condition.

Submission:

PreventionGenetics, part of Exact Sciences
Classification: Likely pathogenic for ADCY3-related condition. Last evaluated: 2024-12-06. Review status: criteria provided, single submitter. Criteria: ACMG Guidelines, 2015. Collection method: clinical testing. Allele origin: germline.
Comment: The ADCY3 c.1968G>A variant is predicted to result in premature protein termination (p.Trp656*). To our knowledge, this variant has not been reported in the literature or in a large population database (gnomAD), indicating this variant is rare. Nonsense variants in ADCY3 are expected to be pathogenic. This variant is interpreted as likely pathogenic.

NM_004036.5(ADCY3):c.1968G>A (p.Trp656Ter)

Gene: ADCY3 (adenylate cyclase 3; minus strand). Cytogenetic location: 2p23.3.
Variant type: single nucleotide variant.
Coding change: c.1968G>A on transcript NM_004036.5 (MANE Select); coding-DNA position 1968, G replaced by A.
Protein change: p.Trp656Ter; replaces tryptophan 656 with a stop codon.
Molecular consequence: nonsense.
Genome position (GRCh38, 1-based): chr2:24,831,749, C>T on the plus strand (G>A on the coding strand, the complement: ADCY3 is on the minus strand). VCF-style: chr2-24831749-C-T. GRCh37 (hg19) VCF-style: chr2-25054618-C-T.
Other names: c.1968G>A, p.Trp656Ter (NM_001320613.2, NM_001377129.1, NM_001377130.1 and 1 more transcripts); c.2034G>A, p.Trp678Ter (NM_001377128.1); c.1245G>A, p.Trp415Ter (NM_001377131.1); short protein forms W656*, W678*, W415*.
Identifiers: ClinVar variation 4998278 (VCV004998278.1).